The following is an entry in ClinVar:

ClinVar aggregate classification (germline): Pathogenic/Likely pathogenic. Review status: criteria provided, multiple submitters, no conflicts (2 of 4 stars). 5 submissions from 5 submitters: Pathogenic (3); Likely pathogenic (2). Last evaluated 2025-12-08.

Conditions:
PUS3-related disorder. Also called: PUS3-related condition.
Severe growth deficiency-strabismus-extensive dermal melanocytosis-intellectual disability syndrome (NEDMIGS). Also called: NEURODEVELOPMENTAL DISORDER WITH MICROCEPHALY AND GRAY SCLERAE. Identifiers: Orphanet 488627, MedGen C4310745, MONDO:0014886, OMIM 617051.

Allele frequency attached by ClinVar (database versions not stated): TOPMed 0.00003; gnomAD 0.00004.
gnomAD v4.1: 133 of 1,614,128 alleles (0.0082%); highest among the groups gnomAD compares: Non-Finnish European, 0.011%; no homozygotes.

Submissions (5):

Labcorp Genetics (formerly Invitae), Labcorp
Classification: Pathogenic. Last evaluated: 2025-12-08. Review status: criteria provided, single submitter. Criteria: Invitae Variant Classification Sherloc (09022015). Collection method: clinical testing. Allele origin: germline.
Comment: This sequence change replaces tyrosine, which is neutral and polar, with cysteine, which is neutral and slightly polar, at codon 71 of the PUS3 protein (p.Tyr71Cys). This variant is present in population databases (rs761792490, gnomAD 0.02%). This missense change has been observed in individuals with intellectual disability (PMID: 34415064, 36125428). ClinVar contains an entry for this variant (Variation ID: 1447306). Invitae Evidence Modeling of protein sequence and biophysical properties (such as structural, functional, and spatial information, amino acid conservation, physicochemical variation, residue mobility, and thermodynamic stability) indicates that this missense variant is expected to disrupt PUS3 protein function with a positive predictive value of 80%. Experimental studies have shown that this missense change affects PUS3 function (PMID: 36125428). For these reasons, this variant has been classified as Pathogenic.

Institute of Medical Genetics and Applied Genomics, University Hospital Tübingen
Classification: Pathogenic for Severe growth deficiency-strabismus-extensive dermal melanocytosis-intellectual disability syndrome. Last evaluated: 2025-09-15. Review status: criteria provided, single submitter. Criteria: ACMG Guidelines, 2015. Collection method: clinical testing. Allele origin: germline. Inheritance: Autosomal recessive inheritance. Affected: yes.

PreventionGenetics, part of Exact Sciences
Classification: Likely pathogenic for PUS3-related condition. Last evaluated: 2024-12-16. Review status: criteria provided, single submitter. Criteria: ACMG Guidelines, 2015. Collection method: clinical testing. Allele origin: germline.
Comment: The PUS3 c.212A>G variant is predicted to result in the amino acid substitution p.Tyr71Cys. This variant was reported in the homozygous and compound heterozygous state in individuals with PUS3-associated neurodevelopmental disorder (Nøstvik et al. 2021. PubMed ID: 34415064; Lin et al. 2022. PubMed ID: 36125428). A functional study using patient derived fibroblast cells and in vitro assays indicate the c.212A>G variant impairs the thermostability of the PUS3 enzyme and significantly reduces PUS3 protein levels (Lin et al. 2022. PubMed ID: 36125428). This variant is reported in 0.020% of alleles in individuals of European (Finnish) descent in gnomAD. This variant is interpreted as likely pathogenic.

3billion
Classification: Likely pathogenic for Severe growth deficiency-strabismus-extensive dermal melanocytosis-intellectual disability syndrome. Last evaluated: 2024-11-21. Review status: criteria provided, single submitter. Criteria: ACMG Guidelines, 2015. Collection method: clinical testing. Allele origin: germline. Affected: yes.
Comment: The variant is observed at an extremely low frequency in the gnomAD v4.1.0 dataset (total allele frequency: 0.008%). Predicted Consequence/Location: Missense variant In silico tool predictions suggest damaging effect of the variant on gene or gene product [REVEL: 0.82 (>=0.6, sensitivity 0.68 and specificity 0.92); 3Cnet: 0.99 (>=0.6, sensitivity 0.72 and precision 0.9)]. The same nucleotide change resulting in the same amino acid change has been previously reported as pathogenic/likely pathogenic with strong evidence (ClinVar ID: VCV001447306 /PMID: 34415064). Therefore, this variant is classified as Likely pathogenic according to the recommendation of ACMG/AMP guideline.

Victorian Clinical Genetics Services, Murdoch Childrens Research Institute
Classification: Pathogenic for Severe growth deficiency-strabismus-extensive dermal melanocytosis-intellectual disability syndrome. Last evaluated: 2022-09-02. Review status: criteria provided, single submitter. Criteria: ACMG Guidelines, 2015. Collection method: clinical testing. Allele origin: germline. Inheritance: Autosomal recessive inheritance. Affected: yes.
Comment: Based on the classification scheme VCGS_Germline_v1.3.4, this variant is classified as Pathogenic. Following criteria are met: 0102 - Loss of function is a known mechanism of disease in this gene and is associated with neurodevelopmental disorder with microcephaly and gray sclerae (MIM#617051). (I) 0106 - This gene is associated with autosomal recessive disease. (I) 0115 - Variants in this gene are known to have variable expressivity (PMID: 34415064). (I) 0200 - Variant is predicted to result in a missense amino acid change from tyrosine to cysteine. (I) 0251 - This variant is heterozygous. (I) 0304 - Variant is present in gnomAD (v2) <0.01 for a recessive condition (19 heterozygotes, 0 homozygotes). (SP) 0309 - An alternative amino acid change at the same position has been observed in gnomAD (v2) (2 heterozygotes, 0 homozygotes). (I) 0501 - Missense variant consistently predicted to be damaging by multiple in silico tools or highly conserved with a major amino acid change. (SP) 0600 - Variant is located in the annotated pseudouridine synthase domain (NCBI). (I) 0705 - No comparable missense variants have previous evidence for pathogenicity. (I) 0803 - This variant has limited previous evidence of pathogenicity in unrelated individuals. This variant has been observed as compound heterozygous in one individual, and homozygous in two siblings from another family with neurodevelopmental disorders (PMID: 34415064, Gulkovskyi 2015). This variant has also been classifed as a VUS by a clinical laboratory in ClinVar who observed this variant in several individuals including two individuals with developmental delay who were homozygous for this variant. (SP) 1007 - No published functional evidence has been identified for this variant. (I) 1201 - Heterozygous variant detected in trans with a second pathogenic heterozygous variant (c.366_367del; p.(Ala123Leufs*8)) in a recessive disease. (I) Legend: (SP) - Supporting pathogenic, (I) - Information, (SB) - Supporting benign

Literature cited by the submitters: PubMed 34415064 (cited by 3 submitters); PubMed 36125428 (cited by Labcorp Genetics (formerly Invitae), Labcorp).

NM_031307.4(PUS3):c.212A>G (p.Tyr71Cys)

Genes: HYLS1 (HYLS1 centriolar and ciliogenesis associated; plus strand), PUS3 (pseudouridine synthase 3; minus strand). Cytogenetic location: 11q24.2.
Variant type: single nucleotide variant.
Coding change: c.212A>G on transcript NM_031307.4 (MANE Select); coding-DNA position 212, A replaced by G.
Protein change: p.Tyr71Cys; replaces tyrosine 71 with cysteine.
Molecular consequence: missense variant. On other transcripts: intron variant (6).
Genome position (GRCh38, 1-based): chr11:125,896,073, T>C on the plus strand (A>G on the coding strand, the complement: PUS3 is on the minus strand). VCF-style: chr11-125896073-T-C. GRCh37 (hg19) VCF-style: chr11-125765968-T-C.
Other names: c.-80-3031T>C (NM_145014.3); c.-25-3271T>C (NM_001134793.2, NM_001377269.1); c.-22-3274T>C (NM_001424364.1, NM_001377270.1); c.-246-284A>G (NM_001271985.2); short protein forms Y71C.
Identifiers: ClinVar variation 1447306 (VCV001447306.13), dbSNP rs761792490, ClinGen allele CA6350573.